The following is an entry in ClinVar:

ClinVar aggregate classification (germline): Uncertain significance (1 of 4 stars; one submission).

Allele frequency attached by ClinVar (database versions not stated): gnomAD exomes below 0.00001.
gnomAD v4.1: 1 of 1,573,490 alleles (0.000064%); highest among the groups gnomAD compares: Non-Finnish European, 0.000086%; no homozygotes.

Submission:

Labcorp Genetics (formerly Invitae), Labcorp
Classification: Uncertain significance. Last evaluated: 2021-11-27. Review status: criteria provided, single submitter. Criteria: Invitae Variant Classification Sherloc (09022015). Collection method: clinical testing. Allele origin: germline.
Comment: In summary, the available evidence is currently insufficient to determine the role of this variant in disease. Therefore, it has been classified as a Variant of Uncertain Significance. Algorithms developed to predict the effect of missense changes on protein structure and function are either unavailable or do not agree on the potential impact of this missense change (SIFT: "Not Available"; PolyPhen-2: "Probably Damaging"; Align-GVGD: "Not Available"). This variant has not been reported in the literature in individuals affected with DDRGK1-related conditions. This variant is not present in population databases (gnomAD no frequency). This sequence change replaces arginine, which is basic and polar, with tryptophan, which is neutral and slightly polar, at codon 25 of the DDRGK1 protein (p.Arg25Trp).

NM_023935.3(DDRGK1):c.73C>T (p.Arg25Trp)

Genes: DDRGK1 (DDRGK domain containing 1; minus strand), ITPA (inosine triphosphatase; plus strand), LOC130065321 (ATAC-STARR-seq lymphoblastoid active region 17476; plus strand). Cytogenetic location: 20p13.
Variant type: single nucleotide variant.
Coding change: c.73C>T on transcript NM_023935.3 (MANE Select); coding-DNA position 73, C replaced by T.
Protein change: p.Arg25Trp; replaces arginine 25 with tryptophan.
Molecular consequence: missense variant.
Genome position (GRCh38, 1-based): chr20:3,204,555, G>A on the plus strand (C>T on the coding strand, the complement: DDRGK1 is on the minus strand). VCF-style: chr20-3204555-G-A. GRCh37 (hg19) VCF-style: chr20-3185201-G-A.
Other names: short protein forms R25W.
Identifiers: ClinVar variation 2005574 (VCV002005574.4), dbSNP rs2067057590, ClinGen allele CA408073712.